The following is an entry in ClinVar:

NM_000535.7(PMS2):c.848G>A (p.Ser283Asn)

Gene: PMS2 (PMS1 homolog 2, mismatch repair system component; minus strand). Cytogenetic location: 7p22.1.
Variant type: single nucleotide variant.
Coding change: c.848G>A on transcript NM_000535.7 (MANE Select); coding-DNA position 848, G replaced by A.
Protein change: p.Ser283Asn; replaces serine 283 with asparagine.
Molecular consequence: missense variant. On other transcripts: 5 prime UTR variant (2), non-coding transcript variant (1).
Genome position (GRCh38, 1-based): chr7:5,995,589, C>T on the plus strand (G>A on the coding strand, the complement: PMS2 is on the minus strand). VCF-style: chr7-5995589-C-T. GRCh37 (hg19) VCF-style: chr7-6035220-C-T.
Other names: c.443G>A, p.Ser148Asn (NM_001322003.2, NM_001322004.2, NM_001322005.2 and 2 more transcripts); c.848G>A, p.Ser283Asn (NM_001322006.2, NM_001322014.2); c.530G>A, p.Ser177Asn (NM_001322007.2, NM_001322008.2); c.-86G>A (NM_001322011.2, NM_001322012.2); c.275G>A, p.Ser92Asn (NM_001322013.2); c.539G>A, p.Ser180Asn (NM_001322015.2); short protein forms S180N, S92N, S148N, S177N, S283N.
Identifiers: ClinVar variation 928049 (VCV000928049.4), dbSNP rs1784307166, ClinGen allele CA366743498.

ClinVar aggregate classification (germline): Uncertain significance. Review status: criteria provided, multiple submitters, no conflicts (2 of 4 stars). 2 submissions from 2 submitters: Uncertain significance (2). Last evaluated 2019-05-31.

Conditions:
Hereditary cancer-predisposing syndrome. Also called: Neoplastic Syndromes, Hereditary; Hereditary Cancer Syndrome; Tumor predisposition; Hereditary neoplastic syndrome. Identifiers: Orphanet 140162, MedGen C0027672, MeSH D009386, MONDO:0015356.

gnomAD v4.1: 1 of 1,613,990 alleles (0.000062%); no homozygotes.

Submissions (2):

Color Diagnostics, LLC DBA Color Health
Classification: Uncertain significance for Hereditary cancer-predisposing syndrome. Last evaluated: 2019-05-31. Review status: criteria provided, single submitter. Criteria: ACMG Guidelines, 2015. Collection method: clinical testing. Allele origin: germline.

Ambry Genetics
Classification: Uncertain significance for Hereditary cancer-predisposing syndrome. Last evaluated: 2019-03-12. Review status: criteria provided, single submitter. Criteria: Ambry Variant Classification Scheme 2023. Collection method: clinical testing. Allele origin: germline.
Comment: The p.S283N variant (also known as c.848G>A), located in coding exon 8 of the PMS2 gene, results from a G to A substitution at nucleotide position 848. The serine at codon 283 is replaced by asparagine, an amino acid with highly similar properties. This amino acid position is highly conserved in available vertebrate species. In addition, the in silico prediction for this alteration is inconclusive. Since supporting evidence is limited at this time, the clinical significance of this alteration remains unclear.